The following is an entry in ClinVar:

NM_005751.5(AKAP9):c.10871G>A (p.Arg3624Gln)

Gene: AKAP9 (A-kinase anchoring protein 9; plus strand). Cytogenetic location: 7q21.2.
Variant type: single nucleotide variant.
Coding change: c.10871G>A on transcript NM_005751.5 (MANE Select); coding-DNA position 10871, G replaced by A.
Protein change: p.Arg3624Gln; replaces arginine 3624 with glutamine.
Molecular consequence: missense variant.
Genome position (GRCh38, 1-based): chr7:92,099,844, G>A. VCF-style: chr7-92099844-G-A. GRCh37 (hg19) VCF-style: chr7-91729158-G-A.
Other names: c.5516G>A, p.Arg1839Gln (NM_001379277.1); c.10847G>A, p.Arg3616Gln (NM_147185.3); short protein forms R3624Q, R3616Q, R1839Q.
Identifiers: ClinVar variation 527013 (VCV000527013.12), dbSNP rs377561989, ClinGen allele CA4338033.

ClinVar aggregate classification (germline): Uncertain significance. Review status: criteria provided, multiple submitters, no conflicts (2 of 4 stars). 3 submissions from 3 submitters: Uncertain significance (3). Last evaluated 2025-11-02.

Conditions:
Cardiovascular phenotype. Identifiers: MedGen CN230736.
Long QT syndrome 11 (LQT11). Identifiers: Orphanet 101016, Orphanet 768, MedGen C2678483, MONDO:0012738, OMIM 611820.
Long QT syndrome (LQTS). Identifiers: MedGen C0023976, MeSH D008133, MONDO:0002442. Disease mechanism: loss of function. Inheritance: Various modes of inheritance.

Allele frequency attached by ClinVar (database versions not stated): gnomAD exomes below 0.00001 and 0.00001; ExAC 0.00001; gnomAD 0.00001; TOPMed 0.00003.
gnomAD v4.1: 5 of 1,613,794 alleles (0.00031%); highest among the groups gnomAD compares: Non-Finnish European, 0.00042%; no homozygotes.

Submissions (3):

Ambry Genetics
Classification: Uncertain significance for Cardiovascular phenotype. Last evaluated: 2025-11-02. Review status: criteria provided, single submitter. Criteria: Ambry Variant Classification Scheme 2023. Collection method: clinical testing. Allele origin: germline.
Comment: The p.R3624Q variant (also known as c.10871G>A), located in coding exon 44 of the AKAP9 gene, results from a G to A substitution at nucleotide position 10871. The arginine at codon 3624 is replaced by glutamine, an amino acid with highly similar properties. This amino acid position is conserved. In addition, this alteration is predicted to be tolerated by in silico analysis. Since supporting evidence is limited at this time, the clinical significance of this alteration remains unclear.

Labcorp Genetics (formerly Invitae), Labcorp
Classification: Uncertain significance for Long QT syndrome. Last evaluated: 2022-07-15. Review status: criteria provided, single submitter. Criteria: Invitae Variant Classification Sherloc (09022015). Collection method: clinical testing. Allele origin: germline.
Comment: This sequence change replaces arginine, which is basic and polar, with glutamine, which is neutral and polar, at codon 3624 of the AKAP9 protein (p.Arg3624Gln). This variant is present in population databases (rs377561989, gnomAD 0.002%). This variant has not been reported in the literature in individuals affected with AKAP9-related conditions. ClinVar contains an entry for this variant (Variation ID: 527013). Algorithms developed to predict the effect of missense changes on protein structure and function output the following: SIFT: "Tolerated"; PolyPhen-2: "Benign"; Align-GVGD: "Class C0". The glutamine amino acid residue is found in multiple mammalian species, which suggests that this missense change does not adversely affect protein function. In summary, the available evidence is currently insufficient to determine the role of this variant in disease. Therefore, it has been classified as a Variant of Uncertain Significance.

Fulgent Genetics
Classification: Uncertain significance for Long QT syndrome 11. Last evaluated: 2021-07-19. Review status: criteria provided, single submitter. Criteria: ACMG Guidelines, 2015. Collection method: clinical testing. Allele origin: unknown.